The following is an entry in ClinVar:

ClinVar aggregate classification (germline): Pathogenic (1 of 4 stars; one submission).

Conditions:
Hereditary antithrombin deficiency (AT3D). Also called: Antithrombin III deficiency; Thrombophilia due to antithrombin III deficiency; Reduced antithrombin III activity; Antithrombin deficiency. Identifiers: Orphanet 82, MedGen C0272375, MONDO:0013144, OMIM 613118, HP:0001976.

Submission:

Labcorp Genetics (formerly Invitae), Labcorp
Classification: Pathogenic for Hereditary antithrombin deficiency. Last evaluated: 2024-11-28. Review status: criteria provided, single submitter. Criteria: Invitae Variant Classification Sherloc (09022015). Collection method: clinical testing. Allele origin: germline.
Comment: This sequence change affects an acceptor splice site in intron 4 of the SERPINC1 gene. It is expected to disrupt RNA splicing. Variants that disrupt the donor or acceptor splice site typically lead to a loss of protein function (PMID: 16199547), and loss-of-function variants in SERPINC1 are known to be pathogenic (PMID: 21264449). This variant is not present in population databases (gnomAD no frequency). Disruption of this splice site has been observed in individual(s) with hereditary antithrombin deficiency (PMID: 28317092). Algorithms developed to predict the effect of sequence changes on RNA splicing suggest that this variant may disrupt the consensus splice site. For these reasons, this variant has been classified as Pathogenic.

Literature cited by the submitters: PubMed 16199547; PubMed 21264449; PubMed 28317092.

NM_000488.4(SERPINC1):c.763-1G>C

Gene: SERPINC1 (serpin family C member 1; minus strand). Cytogenetic location: 1q25.1.
Variant type: single nucleotide variant.
Coding change: c.763-1G>C on transcript NM_000488.4 (MANE Select); the canonical splice acceptor site of the intron before coding-DNA position 763, G replaced by C.
Molecular consequence: splice acceptor variant. On other transcripts: intron variant (1).
Genome position (GRCh38, 1-based): chr1:173,909,943, C>G on the plus strand (G>C on the coding strand, the complement: SERPINC1 is on the minus strand). VCF-style: chr1-173909943-C-G. GRCh37 (hg19) VCF-style: chr1-173879081-C-G.
Other names: c.844-1G>C (NM_001386303.1); c.547-1G>C (NM_001386306.1); c.742-1G>C (NM_001386304.1); c.763-58G>C (NM_001386305.1); c.886-1G>C (NM_001386302.1); c.619-1G>C (NM_001365052.2).
Identifiers: ClinVar variation 3638003 (VCV003638003.2).